The following is an entry in ClinVar:

ClinVar aggregate classification (germline): Likely pathogenic (1 of 4 stars; one submission).

Conditions:
Hereditary factor IX deficiency disease (HEMB). Also called: F9 DEFICIENCY; FACTOR IX DEFICIENCY; PLASMA THROMBOPLASTIN COMPONENT DEFICIENCY; Hemophilia B; Christmas Disease. Identifiers: Orphanet 98879, MedGen C0008533, MeSH D002836, MONDO:0010604, OMIM 306900.

Submission:

Juno Genomics, Hangzhou Juno Genomics, Inc
Classification: Likely pathogenic for Hereditary factor IX deficiency disease. Review status: criteria provided, single submitter. Criteria: ACMG Guidelines, 2015. Collection method: clinical testing. Allele origin: germline. Affected: yes.
Comment: Absent from controls (or at extremely low frequency if recessive) in Genome Aggregation Database, Exome Sequencing Project, 1000 Genomes Project, or Exome Aggregation Consortium.;Null variant in a gene where loss of function (LOF) is a known mechanism of disease.;The prevalence of the variant in affected individuals is significantly increased compared to the prevalence in controls.;Patient's phenotype or family history is highly specific for a disease with a single genetic etiology.

NM_000133.4(F9):c.827_828del (p.Thr276fs)

Gene: F9 (coagulation factor IX; plus strand). Cytogenetic location: Xq27.1.
Variant type: Deletion.
Coding change: c.827_828del on transcript NM_000133.4 (MANE Select); coding-DNA positions 827 to 828, 2 bases deleted (CA; older notation c.827_828delCA).
Protein change: p.Thr276fs; shifts the reading frame from threonine 276.
Molecular consequence: frameshift variant.
Genome position (GRCh38, 1-based): chrX:139,560,844-139,560,845, CA deleted; deleting any 2 consecutive bases within chrX:139,560,843-139,560,845 gives the same sequence; the c. name uses the placement nearest the transcript's 3' end. VCF-style (leftmost placement, unchanged base first): chrX-139560842-TAC-T. GRCh37 (hg19) VCF-style: chrX-138643001-TAC-T.
Other names: c.713_714del, p.Thr238fs (NM_001313913.2); short protein forms T238fs, T276fs.
Identifiers: ClinVar variation 3382308 (VCV003382308.2).